The following is an entry in ClinVar:

ClinVar aggregate classification (germline): Pathogenic (1 of 4 stars; one submission).

Conditions:
Sitosterolemia (STSL). Also called: PHYTOSTEROLEMIA. Identifiers: Orphanet 2882, MedGen C0342907, MONDO:0008863.

Submission:

Labcorp Genetics (formerly Invitae), Labcorp
Classification: Pathogenic for Sitosterolemia. Last evaluated: 2022-08-13. Review status: criteria provided, single submitter. Criteria: Invitae Variant Classification Sherloc (09022015). Collection method: clinical testing. Allele origin: germline.
Comment: This variant is not present in population databases (gnomAD no frequency). This sequence change creates a premature translational stop signal (p.Gln525*) in the ABCG5 gene. It is expected to result in an absent or disrupted protein product. Loss-of-function variants in ABCG5 are known to be pathogenic (PMID: 11138003, 25665839). For these reasons, this variant has been classified as Pathogenic. This variant has not been reported in the literature in individuals affected with ABCG5-related conditions.

Literature cited by the submitters: PubMed 11138003; PubMed 25665839.

NM_022436.3(ABCG5):c.1573C>T (p.Gln525Ter)

Genes: ABCG5 (ATP binding cassette subfamily G member 5; minus strand), DYNC2LI1 (dynein cytoplasmic 2 light intermediate chain 1; plus strand). Cytogenetic location: 2p21.
Variant type: single nucleotide variant.
Coding change: c.1573C>T on transcript NM_022436.3 (MANE Select); coding-DNA position 1573, C replaced by T.
Protein change: p.Gln525Ter; replaces glutamine 525 with a stop codon.
Molecular consequence: nonsense. On other transcripts: intron variant (2).
Genome position (GRCh38, 1-based): chr2:43,819,991, G>A on the plus strand (C>T on the coding strand, the complement: ABCG5 is on the minus strand). VCF-style: chr2-43819991-G-A. GRCh37 (hg19) VCF-style: chr2-44047130-G-A.
Other names: c.*16-7395G>A (NM_001348913.2, NM_001348912.2); short protein forms Q525*.
Identifiers: ClinVar variation 2023964 (VCV002023964.4), dbSNP rs2465951776, ClinGen allele CA346662913.